The following is an entry in ClinVar:

NM_144628.4(TBC1D20):c.765C>T (p.Ala255=)

Gene: TBC1D20 (TBC1 domain family member 20; minus strand). Cytogenetic location: 20p13.
Variant type: single nucleotide variant.
Coding change: c.765C>T on transcript NM_144628.4 (MANE Select); coding-DNA position 765, C replaced by T.
Protein change: p.Ala255=; no amino-acid change (alanine 255 retained).
Molecular consequence: synonymous variant. On other transcripts: non-coding transcript variant (1).
Genome position (GRCh38, 1-based): chr20:440,251, G>A on the plus strand (C>T on the coding strand, the complement: TBC1D20 is on the minus strand). VCF-style: chr20-440251-G-A. GRCh37 (hg19) VCF-style: chr20-420895-G-A.
Other names: p.Ala255=; c.765C>T (NM_144628.3).
Identifiers: ClinVar variation 2182806 (VCV002182806.6), dbSNP rs563911003, ClinGen allele CA9723548.

ClinVar aggregate classification (germline): Likely benign. Review status: criteria provided, multiple submitters, no conflicts (2 of 4 stars). 3 submissions from 3 submitters: Likely benign (2). 1 of the submissions does not count toward it. Last evaluated 2025-10-02.

Conditions:
TBC1D20-related disorder. Also called: TBC1D20-related condition.

Allele frequency attached by ClinVar (database versions not stated): ExAC 0.00001; gnomAD exomes 0.00002; TOPMed 0.00002.
gnomAD v4.1: 31 of 1,611,730 alleles (0.0019%); highest among the groups gnomAD compares: South Asian, 0.0033%; no homozygotes.

Submissions (3):

Labcorp Genetics (formerly Invitae), Labcorp
Classification: Likely benign. Last evaluated: 2025-10-02. Review status: criteria provided, single submitter. Criteria: Invitae Variant Classification Sherloc (09022015). Collection method: clinical testing. Allele origin: germline.

Mayo Clinic Laboratories, Mayo Clinic
Classification: Likely benign. Last evaluated: 2025-01-20. Review status: criteria provided, single submitter. Criteria: ACMG Guidelines, 2015. Collection method: clinical testing. Allele origin: germline. Observed: 1 variant allele.
Comment: BP4, BP7

PreventionGenetics, part of Exact Sciences
Classification: Likely benign for TBC1D20-related condition. Last evaluated: 2024-07-22. Review status: no assertion criteria provided. Collection method: clinical testing. Allele origin: germline. Not counted in ClinVar's aggregate classification.
Comment: This variant is classified as likely benign based on ACMG/AMP sequence variant interpretation guidelines (Richards et al. 2015 PMID: 25741868, with internal and published modifications).